The following is an entry in ClinVar:

ClinVar aggregate classification (germline): Pathogenic (1 of 4 stars; one submission).

Conditions:
Familial adenomatous polyposis 1 (FAP1). Also called: POLYPOSIS, ADENOMATOUS INTESTINAL; FAMILIAL ADENOMATOUS POLYPOSIS 1, ATTENUATED. Identifiers: MedGen C2713442, MONDO:0021056, OMIM 175100. Disease mechanism: loss of function.

Submission:

Labcorp Genetics (formerly Invitae), Labcorp
Classification: Pathogenic for Familial adenomatous polyposis 1. Last evaluated: 2023-12-08. Review status: criteria provided, single submitter. Criteria: Invitae Variant Classification Sherloc (09022015). Collection method: clinical testing. Allele origin: germline.
Comment: This sequence change creates a premature translational stop signal (p.Tyr500Ilefs*37) in the APC gene. It is expected to result in an absent or disrupted protein product. Loss-of-function variants in APC are known to be pathogenic (PMID: 17963004, 20685668). This variant is not present in population databases (gnomAD no frequency). This variant has not been reported in the literature in individuals affected with APC-related conditions. For these reasons, this variant has been classified as Pathogenic.

Literature cited by the submitters: PubMed 17963004; PubMed 20685668.

NM_000038.6(APC):c.1496_1497insT (p.Tyr500fs)

Gene: APC (APC regulator of Wnt signaling pathway; plus strand). Cytogenetic location: 5q22.2.
Variant type: Insertion.
Coding change: c.1496_1497insT on transcript NM_000038.6 (MANE Select); coding-DNA positions 1496 to 1497, T inserted.
Protein change: p.Tyr500fs; shifts the reading frame from tyrosine 500.
Molecular consequence: frameshift variant.
Genome position: GRCh38 VCF-style: chr5-112827195-G-GT. GRCh37 (hg19) VCF-style: chr5-112162892-G-GT.
Other names: c.1496_1497insT, p.Tyr500fs (NM_001127510.3, NM_001354895.2, NM_001407450.1); c.1442_1443insT, p.Tyr482fs (NM_001127511.3); c.1550_1551insT, p.Tyr518fs (NM_001354896.2, NM_001407447.1, NM_001407448.1 and 1 more transcripts); c.1526_1527insT, p.Tyr510fs (NM_001354897.2); c.1421_1422insT, p.Tyr475fs (NM_001354898.2); c.1412_1413insT, p.Tyr472fs (NM_001354899.2); c.1373_1374insT, p.Tyr459fs (NM_001354900.2); c.1319_1320insT, p.Tyr441fs (NM_001354901.2, NM_001407453.1); and 11 more; short protein forms Y340fs, Y417fs, Y493fs, Y441fs, Y459fs, Y482fs, Y500fs, Y528fs.
Identifiers: ClinVar variation 2771973 (VCV002771973.3), dbSNP rs2533198962, ClinGen allele CA2697546178.